The following is an entry in ClinVar:

NM_020937.4(FANCM):c.2589dup (p.Asp864fs)

Gene: FANCM (FA complementation group M; plus strand). Cytogenetic location: 14q21.2.
Variant type: Duplication.
Coding change: c.2589dup on transcript NM_020937.4 (MANE Select); coding-DNA position 2589, one base duplicated (A; older notation c.2589dupA).
Protein change: p.Asp864fs; shifts the reading frame from aspartic acid 864.
Molecular consequence: frameshift variant.
Genome position (GRCh38, 1-based): chr14:45,175,343, A duplicated; the last of 7 consecutive A bases (chr14:45,175,337-45,175,343); duplicating any one gives the same sequence. VCF-style (leftmost placement, unchanged base first): chr14-45175336-T-TA. GRCh37 (hg19) VCF-style: chr14-45644539-T-TA.
Other names: c.2511dup, p.Asp838fs (NM_001308133.2); short protein forms D838fs, D864fs.
Identifiers: ClinVar variation 4805173 (VCV004805173.1).
Genomic context (GRCh38, chr14:45,175,336, plus strand): 5'-AACAAACTCATATCAAACCTACTAAAATTGTTTCTTTAAAGAAAAAAGTGTCTAAAGAAA[T>TA]AAAAAAAGATCAGCTTAAAAAAGAAAATAATCACGGTATTATAGATTCTGTAGATAATGA-3'

ClinVar aggregate classification (germline): Pathogenic (1 of 4 stars; one submission).

Conditions:
Fanconi anemia (FA). Also called: Fanconi's anemia. Identifiers: Orphanet 84, MedGen C0015625, MeSH D005199, MONDO:0019391.

Submission:

Labcorp Genetics (formerly Invitae), Labcorp
Classification: Pathogenic for Fanconi anemia. Last evaluated: 2025-02-15. Review status: criteria provided, single submitter. Criteria: Invitae Variant Classification Sherloc (09022015). Collection method: clinical testing. Allele origin: germline.
Comment: This sequence change creates a premature translational stop signal (p.Asp864Argfs*4) in the FANCM gene. It is expected to result in an absent or disrupted protein product. Loss-of-function variants in FANCM are known to be pathogenic (PMID: 29895858, 30075111). The frequency data for this variant in the population databases is considered unreliable, as metrics indicate poor data quality at this position in the gnomAD database. This variant has not been reported in the literature in individuals affected with FANCM-related conditions. For these reasons, this variant has been classified as Pathogenic.

Literature cited by the submitters: PubMed 29895858; PubMed 30075111.